The following is an entry in ClinVar:

ClinVar aggregate classification (germline): Pathogenic (1 of 4 stars; one submission).

Conditions:
Cutis laxa with severe pulmonary, gastrointestinal and urinary anomalies. Also called: URBAN-RIFKIN-DAVIS SYNDROME; Cutis laxa, autosomal recessive, type IC; LTBP4-Related Cutis Laxa. Identifiers: Orphanet 221145, MedGen C2750804, MONDO:0013170, OMIM 613177. Disease mechanism: loss of function.

Submission:

Division of Biology and Genetics, University of Brescia
Classification: Pathogenic for Cutis laxa with severe pulmonary, gastrointestinal and urinary anomalies. Review status: criteria provided, single submitter. Criteria: ACMG Guidelines, 2015. Collection method: clinical testing. Allele origin: germline. Inheritance: Autosomal recessive inheritance. Affected: yes. Observed: 1 homozygote.
Comment: The c.1450del variant in LTBP4 leading to frameshift and formation of a premature termination codon (PTC) (p.Arg484Glyfs*290). The p.(Arg484Glyfs*290) variant was not found in population and disease databases including gnomAD and Bravo, but we submitted it to LOVD (LTBP4_000036).

Literature cited by the submitters: PubMed 31115174.

NM_001042545.2(LTBP4):c.1360del (p.Arg454fs)

Gene: LTBP4 (latent transforming growth factor beta binding protein 4; plus strand). Cytogenetic location: 19q13.2.
Variant type: Deletion.
Coding change: c.1360del on transcript NM_001042545.2 (MANE Select); coding-DNA position 1360, one base deleted (C; older notation c.1360delC).
Protein change: p.Arg454fs; shifts the reading frame from arginine 454.
Molecular consequence: frameshift variant.
Genome position (GRCh38, 1-based): chr19:40,608,537, C deleted; the last of 4 consecutive C bases (chr19:40,608,534-40,608,537); deleting any one gives the same sequence. VCF-style (leftmost placement, unchanged base first): chr19-40608533-TC-T. GRCh37 (hg19) VCF-style: chr19-41114439-TC-T.
Other names: c.1561del, p.Arg521fs (NM_001042544.1); c.1450del, p.Arg484fs (NM_003573.2); short protein forms R454fs, R484fs, R521fs.
Identifiers: ClinVar variation 978461 (VCV000978461.2), dbSNP rs1307726290, ClinGen allele CA882260726.
Genomic context (GRCh38, chr19:40,608,533, plus strand): 5'-TTCTTTATCAGGCTTTCTGCCCACCCATCGCCTGGAGCCCCGGCCTGAACCCCGGCCCGA[TC>T]CCCGGCCCGGCCCTGAGCTTCCCTTGCCCAGCATCCCTGCCTGGACTGGTCCTGAGATTC-3'